The following is an entry in ClinVar:

NM_006767.4(LZTR1):c.2219+7T>C

Gene: LZTR1 (leucine zipper like post translational regulator 1; plus strand). Cytogenetic location: 22q11.21.
Variant type: single nucleotide variant.
Coding change: c.2219+7T>C on transcript NM_006767.4 (MANE Select); 7 bases into the intron after coding-DNA position 2219, T replaced by C.
Molecular consequence: intron variant.
Genome position (GRCh38, 1-based): chr22:20,996,119, T>C. VCF-style: chr22-20996119-T-C. GRCh37 (hg19) VCF-style: chr22-21350408-T-C.
Identifiers: ClinVar variation 3651774 (VCV003651774.2).

ClinVar aggregate classification (germline): Uncertain significance (1 of 4 stars; one submission).

Submission:

Labcorp Genetics (formerly Invitae), Labcorp
Classification: Uncertain significance. Last evaluated: 2024-05-01. Review status: criteria provided, single submitter. Criteria: Invitae Variant Classification Sherloc (09022015). Collection method: clinical testing. Allele origin: germline.
Comment: This sequence change falls in intron 18 of the LZTR1 gene. It does not directly change the encoded amino acid sequence of the LZTR1 protein. This variant is not present in population databases (gnomAD no frequency). This variant has not been reported in the literature in individuals affected with LZTR1-related conditions. Algorithms developed to predict the effect of sequence changes on RNA splicing suggest that this variant may disrupt the consensus splice site. In summary, the available evidence is currently insufficient to determine the role of this variant in disease. Therefore, it has been classified as a Variant of Uncertain Significance.